The following is an entry in ClinVar:

ClinVar aggregate classification (germline): Conflicting classifications of pathogenicity. Review status: criteria provided, conflicting classifications (1 of 4 stars). 3 submissions from 3 submitters: Likely pathogenic (1); Uncertain significance (2). Last evaluated 2025-06-26.

Conditions:
TSHR-related disorder. Also called: TSHR-related condition; TSHR-related disorders.

gnomAD v4.1: 94 of 1,613,346 alleles (0.0058%); highest among the groups gnomAD compares: Non-Finnish European, 0.0075%; no homozygotes.

Submissions (3):

GeneDx
Classification: Uncertain significance. Last evaluated: 2025-06-26. Review status: criteria provided, single submitter. Criteria: GeneDx Variant Classification Process June 2021. Collection method: clinical testing. Allele origin: germline. Affected: yes.
Comment: In silico analysis supports that this missense variant has a deleterious effect on protein structure/function; This variant is associated with the following publications: (PMID: 30240412)

PreventionGenetics, part of Exact Sciences
Classification: Uncertain significance for TSHR-related condition. Last evaluated: 2025-05-07. Review status: criteria provided, single submitter. Criteria: ACMG Guidelines, 2015. Collection method: clinical testing. Allele origin: germline.
Comment: The TSHR c.1532C>T variant is predicted to result in the amino acid substitution p.Thr511Met. This variant was reported in the compound heterozygous state in an individual with congenital hypothyroidism (Makretskaya et al. 2018. PubMed ID: 30240412). This variant is reported in 0.0065% of alleles in individuals of South Asian descent in gnomAD. At this time, the clinical significance of this variant is uncertain due to the absence of conclusive functional and genetic evidence.

Blueprint Genetics
Classification: Likely pathogenic for TSHR-related disorders. Last evaluated: 2024-10-10. Review status: criteria provided, single submitter. Criteria: ACMG Guidelines, 2015. Collection method: clinical testing. Allele origin: germline. Affected: yes. Observed: 5 variant alleles.

NM_000369.5(TSHR):c.1532C>T (p.Thr511Met)

Genes: TSHR (thyroid stimulating hormone receptor; plus strand), TSHR-AS1 (TSHR antisense RNA 1; minus strand). Cytogenetic location: 14q31.1.
Variant type: single nucleotide variant.
Coding change: c.1532C>T on transcript NM_000369.5 (MANE Select); coding-DNA position 1532, C replaced by T.
Protein change: p.Thr511Met; replaces threonine 511 with methionine.
Molecular consequence: missense variant.
Genome position (GRCh38, 1-based): chr14:81,143,590, C>T. VCF-style: chr14-81143590-C-T. GRCh37 (hg19) VCF-style: chr14-81609934-C-T.
Other names: short protein forms T511M.
Identifiers: ClinVar variation 4539971 (VCV004539971.3).